The following is an entry in ClinVar:

ClinVar aggregate classification (germline): Likely benign (1 of 4 stars; one submission).

Allele frequency attached by ClinVar (database versions not stated): 1000 Genomes Project 30x 0.00094; 1000 Genomes Project 0.00060.
gnomAD v4.1: 743 of 1,553,520 alleles (0.048%); highest among the groups gnomAD compares: Admixed American, 0.076%; 9 homozygotes.

Submission:

CeGaT Center for Human Genetics Tuebingen
Classification: Likely benign. Last evaluated: 2025-08-01. Review status: criteria provided, single submitter. Criteria: CeGaT Center For Human Genetics Tuebingen Variant Classification Criteria Version 2. Collection method: clinical testing. Allele origin: germline. Affected: yes. Observed: 3 variant alleles.
Comment: ANKRD36C: BP4, BP7

NM_001393982.1(ANKRD36C):c.2865T>A (p.Ser955=)

Gene: ANKRD36C (ankyrin repeat domain 36C; minus strand). Cytogenetic location: 2q11.1.
Variant type: single nucleotide variant.
Coding change: c.2865T>A on transcript NM_001393982.1 (MANE Select); coding-DNA position 2865, T replaced by A.
Protein change: p.Ser955=; no amino-acid change (serine 955 retained).
Molecular consequence: synonymous variant.
Genome position (GRCh38, 1-based): chr2:95,908,690, A>T on the plus strand (T>A on the coding strand, the complement: ANKRD36C is on the minus strand). VCF-style: chr2-95908690-A-T. GRCh37 (hg19) VCF-style: chr2-96574438-A-T.
Other names: c.2940T>A, p.Ser980= (NM_001310154.3).
Identifiers: ClinVar variation 2651130 (VCV002651130.24), dbSNP rs183934154, ClinGen allele CA1774045.
Genomic context (GRCh38, chr2:95,908,690, plus strand): 5'-ACATTTACTAGTTCACAACATAAATGACAGTTTCATTACCTTCAAGCCTGGTGGTTGCTC[A>T]GAAGACACTGAAAAGTAAAAGGGATTCATAATCACTCATATGTAAAAATGACAAAATTAT-3'
Protein context (NP_001380911.1, residues 945-965): KDGEKSRTVS[Ser955=]EQPPGLKATR